The following is an entry in ClinVar:

NM_016038.4(SBDS):c.666G>C (p.Glu222Asp)

Gene: SBDS (SBDS ribosome maturation factor; minus strand). Cytogenetic location: 7q11.21.
Variant type: single nucleotide variant.
Coding change: c.666G>C on transcript NM_016038.4 (MANE Select); coding-DNA position 666, G replaced by C.
Protein change: p.Glu222Asp; replaces glutamic acid 222 with aspartic acid.
Molecular consequence: missense variant.
Genome position (GRCh38, 1-based): chr7:66,988,458, C>G on the plus strand (G>C on the coding strand, the complement: SBDS is on the minus strand). VCF-style: chr7-66988458-C-G. GRCh37 (hg19) VCF-style: chr7-66453445-C-G.
Other names: short protein forms E222D.
Identifiers: ClinVar variation 5029032 (VCV005029032.1).

ClinVar aggregate classification (germline): Uncertain significance (1 of 4 stars; one submission).

Conditions:
Inborn genetic diseases. Identifiers: MedGen C0950123, MeSH D030342.

Submission:

Ambry Genetics
Classification: Uncertain significance for Inborn genetic diseases. Last evaluated: 2026-07-29. Review status: criteria provided, single submitter. Criteria: Ambry Variant Classification Scheme 2023. Collection method: clinical testing. Allele origin: germline.
Comment: The p.E222D variant (also known as c.666G>C), located in coding exon 5 of the SBDS gene, results from a G to C substitution at nucleotide position 666. The glutamic acid at codon 222 is replaced by aspartic acid, an amino acid with highly similar properties. This amino acid position is conserved. In addition, the in silico prediction for this alteration is inconclusive. Based on the available evidence, the clinical significance of this variant remains unclear.